The following is an entry in ClinVar:

ClinVar aggregate classification (germline): Conflicting classifications of pathogenicity. Review status: criteria provided, conflicting classifications (1 of 4 stars). 6 submissions from 6 submitters: Likely pathogenic (2); Uncertain significance (4). Last evaluated 2025-10-22.

Conditions:
Nephrotic syndrome, type 2 (NPHS2). Also called: NEPHROTIC SYNDROME, STEROID-RESISTANT, AUTOSOMAL RECESSIVE. Identifiers: Orphanet 656, MedGen C1868672, MONDO:0010974, OMIM 600995.
Steroid-resistant nephrotic syndrome. Identifiers: MedGen C0403397, MONDO:0044765, HP:0012588.

Allele frequency attached by ClinVar (database versions not stated): TOPMed below 0.00001.

Submissions (6):

Natera, Inc.
Classification: Likely pathogenic for Steroid-resistant nephrotic syndrome. Last evaluated: 2025-10-22. Review status: criteria provided, single submitter. Criteria: Natera Variant Classification Schema (03/2026). Collection method: clinical testing. Allele origin: germline.
Comment: The c.883G>A variant in NPHS2 is a missense variant predicted to cause substitution of alanine to threonine at amino acid 295. This variant is rare in the general population with a frequency below the threshold expected for the associated phenotype(s). This variant has been observed in one or more individuals affected with the associated recessive disease, as either homozygous or compound heterozygous with a second variant (PMID: 25349199, 31831576, 19371226). This variant has been identified in one or more affected individual with a phenotype highly consistent with the associated gene (PMID: 31831576). Computational prediction algorithms indicate this variant is likely to affect gene or protein function. Given the available evidence, this variant is classified as Likely Pathogenic.

3billion
Classification: Uncertain significance for Nephrotic syndrome, type 2. Last evaluated: 2025-07-09. Review status: criteria provided, single submitter. Criteria: ACMG Guidelines, 2015. Collection method: clinical testing. Allele origin: germline. Affected: yes.
Comment: The variant is not observed in the gnomAD v4.1.0 dataset. Predicted Consequence/Location: Missense variant In silico tool predictions suggest damaging effect of the variant on gene or gene product [REVEL: 0.95 (>=0.6, sensitivity 0.68 and specificity 0.92); 3Cnet: 0.82 (> 0.75, sensitivity 0.96 and precision 0.92)]. The same nucleotide change resulting in the same amino acid change has been previously reported to be associated with NPHS2-related disorder (ClinVar ID: VCV002202887 /PMID: 19371226). However, the evidence of pathogenicity is insufficient at this time. Therefore, this variant is classified as VUS according to the recommendation of ACMG/AMP guideline.

Fulgent Genetics
Classification: Uncertain significance for Nephrotic syndrome, type 2. Last evaluated: 2024-03-06. Review status: criteria provided, single submitter. Criteria: ACMG Guidelines, 2015. Collection method: clinical testing. Allele origin: germline.

Baylor Genetics
Classification: Likely pathogenic for Nephrotic syndrome, type 2. Last evaluated: 2024-02-24. Review status: criteria provided, single submitter. Criteria: ACMG Guidelines, 2015. Collection method: clinical testing. Allele origin: unknown.

Blueprint Genetics
Classification: Uncertain significance. Last evaluated: 2023-05-05. Review status: criteria provided, single submitter. Criteria: ACMG Guidelines, 2015. Collection method: clinical testing. Allele origin: germline.

Labcorp Genetics (formerly Invitae), Labcorp
Classification: Uncertain significance. Last evaluated: 2022-06-04. Review status: criteria provided, single submitter. Criteria: Invitae Variant Classification Sherloc (09022015). Collection method: clinical testing. Allele origin: germline.
Comment: This sequence change replaces alanine, which is neutral and non-polar, with threonine, which is neutral and polar, at codon 295 of the NPHS2 protein (p.Ala295Thr). This variant is not present in population databases (gnomAD no frequency). This missense change has been observed in individual(s) with nephrotic syndrome (PMID: 19371226, 24509478). Advanced modeling of protein sequence and biophysical properties (such as structural, functional, and spatial information, amino acid conservation, physicochemical variation, residue mobility, and thermodynamic stability) performed at Invitae indicates that this missense variant is expected to disrupt NPHS2 protein function. In summary, the available evidence is currently insufficient to determine the role of this variant in disease. Therefore, it has been classified as a Variant of Uncertain Significance.

Literature cited by the submitters: PubMed 25349199 (cited by Natera, Inc.); PubMed 31831576 (cited by Natera, Inc.); PubMed 19371226 (cited by 3 submitters); PubMed 24509478 (cited by Labcorp Genetics (formerly Invitae), Labcorp).

NM_014625.4(NPHS2):c.883G>A (p.Ala295Thr)

Genes: AXDND1 (axonemal dynein light chain domain containing 1; plus strand), NPHS2 (NPHS2 stomatin family member, podocin; minus strand). Cytogenetic location: 1q25.2.
Variant type: single nucleotide variant.
Coding change: c.883G>A on transcript NM_014625.4 (MANE Select); coding-DNA position 883, G replaced by A.
Protein change: p.Ala295Thr; replaces alanine 295 with threonine.
Molecular consequence: missense variant. On other transcripts: intron variant (1).
Genome position (GRCh38, 1-based): chr1:179,551,442, C>T on the plus strand (G>A on the coding strand, the complement: NPHS2 is on the minus strand). VCF-style: chr1-179551442-C-T. GRCh37 (hg19) VCF-style: chr1-179520577-C-T.
Other names: c.679G>A, p.Ala227Thr (NM_001297575.2); c.3032-3070C>T (NM_144696.6); short protein forms A295T, A227T.
Identifiers: ClinVar variation 2202887 (VCV002202887.6), dbSNP rs1673264509, ClinGen allele CA343565901.